The following is an entry in ClinVar:

ClinVar aggregate classification (germline): Likely benign (1 of 4 stars; one submission).

Submission:

GeneDx
Classification: Likely benign. Last evaluated: 2017-11-13. Review status: criteria provided, single submitter. Criteria: GeneDx Variant Classification (06012015). Collection method: clinical testing. Allele origin: germline. Affected: yes.
Comment: This variant is considered likely benign or benign based on one or more of the following criteria: it is a conservative change, it occurs at a poorly conserved position in the protein, it is predicted to be benign by multiple in silico algorithms, and/or has population frequency not consistent with disease.

NM_177438.3(DICER1):c.4128C>T (p.Pro1376=)

Gene: DICER1 (dicer 1, ribonuclease III; minus strand). Cytogenetic location: 14q32.13.
Variant type: single nucleotide variant.
Coding change: c.4128C>T on transcript NM_177438.3 (MANE Select); coding-DNA position 4128, C replaced by T.
Protein change: p.Pro1376=; no amino-acid change (proline 1376 retained).
Molecular consequence: synonymous variant.
Genome position (GRCh38, 1-based): chr14:95,099,858, G>A on the plus strand (C>T on the coding strand, the complement: DICER1 is on the minus strand). VCF-style: chr14-95099858-G-A. GRCh37 (hg19) VCF-style: chr14-95566195-G-A.
Other names: c.4128C>T, p.Pro1376= (NM_001195573.1, NM_001271282.3, NM_001291628.2 and 1 more transcripts).
Identifiers: ClinVar variation 513396 (VCV000513396.1), dbSNP rs1555368589, ClinGen allele CA487625775.